The following is an entry in ClinVar:

NM_015466.4(PTPN23):c.1548C>T (p.His516=)

Gene: PTPN23 (protein tyrosine phosphatase non-receptor type 23; plus strand). Cytogenetic location: 3p21.31.
Variant type: single nucleotide variant.
Coding change: c.1548C>T on transcript NM_015466.4 (MANE Select); coding-DNA position 1548, C replaced by T.
Protein change: p.His516=; no amino-acid change (histidine 516 retained).
Molecular consequence: synonymous variant.
Genome position (GRCh38, 1-based): chr3:47,408,993, C>T. VCF-style: chr3-47408993-C-T. GRCh37 (hg19) VCF-style: chr3-47450483-C-T.
Other names: c.1170C>T, p.His390= (NM_001304482.2).
Identifiers: ClinVar variation 1562211 (VCV001562211.36), dbSNP rs151244361, ClinGen allele CA2365752.

ClinVar aggregate classification (germline): Likely benign. Review status: criteria provided, multiple submitters, no conflicts (2 of 4 stars). 3 submissions from 3 submitters: Likely benign (3). Last evaluated 2024-10-08.

Allele frequency attached by ClinVar (database versions not stated): ExAC 0.00002; gnomAD exomes 0.00004; gnomAD 0.00010 and 0.00011; TOPMed 0.00011; ESP Exome Variant Server 0.00015.
gnomAD v4.1: 67 of 1,614,038 alleles (0.0042%); highest among the groups gnomAD compares: Admixed American, 0.022%; no homozygotes.

Submissions (3):

Blueprint Genetics
Classification: Likely benign. Last evaluated: 2024-10-08. Review status: criteria provided, single submitter. Criteria: ACMG Guidelines, 2015. Collection method: clinical testing. Allele origin: germline.

Labcorp Genetics (formerly Invitae), Labcorp
Classification: Likely benign. Last evaluated: 2024-05-01. Review status: criteria provided, single submitter. Criteria: Invitae Variant Classification Sherloc (09022015). Collection method: clinical testing. Allele origin: germline.

CeGaT Center for Human Genetics Tuebingen
Classification: Likely benign. Last evaluated: 2023-03-01. Review status: criteria provided, single submitter. Criteria: CeGaT Center For Human Genetics Tuebingen Variant Classification Criteria Version 2. Collection method: clinical testing. Allele origin: germline. Affected: yes. Observed: 1 variant allele.
Comment: PTPN23: PM2:Supporting, BP4, BP7